The following is an entry in ClinVar:

NM_006846.4(SPINK5):c.238dup (p.Ala80fs)

Gene: SPINK5 (serine peptidase inhibitor Kazal type 5; plus strand). Cytogenetic location: 5q32.
Variant type: Duplication.
Coding change: c.238dup on transcript NM_006846.4 (MANE Select); coding-DNA position 238, one base duplicated (G; older notation c.238dupG).
Protein change: p.Ala80fs; shifts the reading frame from alanine 80.
Molecular consequence: frameshift variant.
Genome position (GRCh38, 1-based): chr5:148,072,176, G duplicated; the last of 3 consecutive G bases (chr5:148,072,174-148,072,176); duplicating any one gives the same sequence. VCF-style (leftmost placement, unchanged base first): chr5-148072173-A-AG. GRCh37 (hg19) VCF-style: chr5-147451736-A-AG.
Other names: c.238dup, p.Ala80fs (NM_001127698.2, NM_001127699.2); c.238dupG (NM_006846.3); short protein forms A80fs.
Identifiers: ClinVar variation 459573 (VCV000459573.24), dbSNP rs752179828.

ClinVar aggregate classification (germline): Pathogenic/Likely pathogenic. Review status: criteria provided, multiple submitters, no conflicts (2 of 4 stars). 4 submissions from 4 submitters: Pathogenic (3); Likely pathogenic (1). Last evaluated 2026-04-24.

Conditions:
SPINK5-related disorder. Also called: SPINK5-related condition.
Ichthyosis linearis circumflexa. Identifiers: MedGen C0265962, MONDO:0043106, HP:0025810.
Netherton syndrome (NETH). Also called: NETHERTON DISEASE; ERYTHRODERMA, ICHTHYOSIFORM, WITH HYPOTRICHOSIS AND HYPER-IgE; COMEL-NETHERTON SYNDROME. Identifiers: Orphanet 634, MedGen C5574950, MONDO:0009735, OMIM 256500.

Submissions (4):

PreventionGenetics, part of Exact Sciences
Classification: Pathogenic for SPINK5-related condition. Last evaluated: 2026-04-24. Review status: criteria provided, single submitter. Criteria: ACMG Guidelines, 2015. Collection method: clinical testing. Allele origin: germline.
Comment: The SPINK5 c.238dupG variant is predicted to result in a frameshift and premature protein termination (p.Ala80Glyfs*19). This variant has been reported in the homozygous state in individuals with Netherton syndrome (see, for example, Chavanas et al. 2000. PubMed ID: 10835624; Guerra et al. 2015. PubMed ID: 25917539; Schepis et al. 2019. PubMed ID: 31450277). This variant is reported in 0.0098% of alleles in individuals of South Asian descent in gnomAD. Frameshift variants in SPINK5 are expected to be pathogenic. This variant is interpreted as pathogenic.

Labcorp Genetics (formerly Invitae), Labcorp
Classification: Pathogenic for Ichthyosis linearis circumflexa. Last evaluated: 2025-12-24. Review status: criteria provided, single submitter. Criteria: Invitae Variant Classification Sherloc (09022015). Collection method: clinical testing. Allele origin: germline.
Comment: This sequence change creates a premature translational stop signal (p.Ala80Glyfs*19) in the SPINK5 gene. It is expected to result in an absent or disrupted protein product. Loss-of-function variants in SPINK5 are known to be pathogenic (PMID: 11511292, 11841556). This variant is present in population databases (rs766893577, gnomAD 0.01%). This premature translational stop signal has been observed in individuals with Netherton syndrome (PMID: 10835624, 16628198, 22089833, 25917539). ClinVar contains an entry for this variant (Variation ID: 873011). For these reasons, this variant has been classified as Pathogenic.

Laboratory of Medical Genetics, National & Kapodistrian University of Athens
Classification: Likely pathogenic for Netherton syndrome. Last evaluated: 2024-05-16. Review status: criteria provided, single submitter. Criteria: ACMG Guidelines, 2015. Collection method: clinical testing. Allele origin: germline. Affected: yes.
Comment: PVS1, PM2 - The variant is expected to result in an absent or disrupted protein product. It is not present in population databases (gnomAD no frequency).

CeGaT Center for Human Genetics Tuebingen
Classification: Pathogenic. Last evaluated: 2017-12-01. Review status: criteria provided, single submitter. Criteria: CeGaT Center For Human Genetics Tuebingen Variant Classification Criteria Version 2. Collection method: clinical testing. Allele origin: germline. Affected: yes. Observed: 1 variant allele.

Literature cited by the submitters: PubMed 11511292 (cited by Labcorp Genetics (formerly Invitae), Labcorp); PubMed 11841556 (cited by Labcorp Genetics (formerly Invitae), Labcorp); PubMed 10835624 (cited by Labcorp Genetics (formerly Invitae), Labcorp); PubMed 16628198 (cited by Labcorp Genetics (formerly Invitae), Labcorp); PubMed 22089833 (cited by Labcorp Genetics (formerly Invitae), Labcorp); PubMed 25917539 (cited by Labcorp Genetics (formerly Invitae), Labcorp).